The following is an entry in ClinVar:

ClinVar aggregate classification (germline): Uncertain significance (1 of 4 stars; one submission).

Allele frequency attached by ClinVar (database versions not stated): gnomAD exomes below 0.00001.
gnomAD v4.1: 6 of 1,582,964 alleles (0.00038%); highest among the groups gnomAD compares: Non-Finnish European, 0.00051%; no homozygotes.

Submission:

Labcorp Genetics (formerly Invitae), Labcorp
Classification: Uncertain significance. Last evaluated: 2020-11-24. Review status: criteria provided, single submitter. Criteria: Invitae Variant Classification Sherloc (09022015). Collection method: clinical testing. Allele origin: germline.
Comment: This variant is not present in population databases (ExAC no frequency). This sequence change replaces threonine with alanine at codon 625 of the HELLS protein (p.Thr625Ala). The threonine residue is highly conserved and there is a small physicochemical difference between threonine and alanine. This variant has not been reported in the literature in individuals with HELLS-related conditions. Algorithms developed to predict the effect of missense changes on protein structure and function are either unavailable or do not agree on the potential impact of this missense change (SIFT: "Tolerated"; PolyPhen-2: "Possibly Damaging"; Align-GVGD: "Class C0"). In summary, the available evidence is currently insufficient to determine the role of this variant in disease. Therefore, it has been classified as a Variant of Uncertain Significance.

NM_018063.5(HELLS):c.1873A>G (p.Thr625Ala)

Gene: HELLS (helicase, lymphoid specific; plus strand). Cytogenetic location: 10q23.33.
Variant type: single nucleotide variant.
Coding change: c.1873A>G on transcript NM_018063.5 (MANE Select); coding-DNA position 1873, A replaced by G.
Protein change: p.Thr625Ala; replaces threonine 625 with alanine.
Molecular consequence: missense variant.
Genome position (GRCh38, 1-based): chr10:94,592,416, A>G. VCF-style: chr10-94592416-A-G. GRCh37 (hg19) VCF-style: chr10-96352173-A-G.
Other names: c.2011A>G, p.Thr671Ala (NM_001289067.2); c.1825A>G, p.Thr609Ala (NM_001289068.2); c.1777A>G, p.Thr593Ala (NM_001289069.2); c.1579A>G, p.Thr527Ala (NM_001289070.2); c.1501A>G, p.Thr501Ala (NM_001289071.2); c.1483A>G, p.Thr495Ala (NM_001289072.2); c.1459A>G, p.Thr487Ala (NM_001289073.2); c.790A>G, p.Thr264Ala (NM_001289074.2); and 1 more; short protein forms T487A, T495A, T527A, T625A, T671A, T219A, T264A, T501A.
Identifiers: ClinVar variation 1472781 (VCV001472781.8), dbSNP rs967920934, ClinGen allele CA211676406.
Genomic context (GRCh38, chr10:94,592,416, plus strand): 5'-TATCAATCATTAGAAATATTAAGATATGTTTAATTTCAGGTGCTGCTTTTTTCACAAATG[A>G]CAAGCATGTTGGACATTTTGATGGATTACTGCCATCTCAGAGATTTCAACTTCAGCAGGC-3'
Protein context (NP_060533.2, residues 615-635): GHKVLLFSQM[Thr625Ala]SMLDILMDYC